The following is an entry in ClinVar:

NM_005618.4(DLL1):c.2125G>T (p.Val709Phe)

Genes: DLL1 (delta like canonical Notch ligand 1; minus strand), LOC126859913 (P300/CBP strongly-dependent group 1 enhancer GRCh37_chr6:170591232-170592431; plus strand). Cytogenetic location: 6q27.
Variant type: single nucleotide variant.
Coding change: c.2125G>T on transcript NM_005618.4 (MANE Select); coding-DNA position 2125, G replaced by T.
Protein change: p.Val709Phe; replaces valine 709 with phenylalanine.
Molecular consequence: missense variant.
Genome position (GRCh38, 1-based): chr6:170,283,029, C>A on the plus strand (G>T on the coding strand, the complement: DLL1 is on the minus strand). VCF-style: chr6-170283029-C-A. GRCh37 (hg19) VCF-style: chr6-170592117-C-A.
Other names: short protein forms V709F.
Identifiers: ClinVar variation 2637114 (VCV002637114.2), dbSNP rs558852722, ClinGen allele CA366505822.

ClinVar aggregate classification (germline): Uncertain significance. Review status: criteria provided, multiple submitters, no conflicts (2 of 4 stars). 2 submissions from 2 submitters: Uncertain significance (2). Last evaluated 2025-07-22.

Conditions:
DLL1-related disorder. Also called: DLL1-related condition.

gnomAD v4.1: 1 of 1,614,178 alleles (0.000062%); highest among the groups gnomAD compares: African/African-American, 0.0013%; no homozygotes.

Submissions (2):

Labcorp Genetics (formerly Invitae), Labcorp
Classification: Uncertain significance. Last evaluated: 2025-07-22. Review status: criteria provided, single submitter. Criteria: Invitae Variant Classification Sherloc (09022015). Collection method: clinical testing. Allele origin: germline.
Comment: This sequence change replaces valine, which is neutral and non-polar, with phenylalanine, which is neutral and non-polar, at codon 709 of the DLL1 protein (p.Val709Phe). This variant is not present in population databases (gnomAD no frequency). This variant has not been reported in the literature in individuals affected with DLL1-related conditions. ClinVar contains an entry for this variant (Variation ID: 2637114). An algorithm developed to predict the effect of missense changes on protein structure and function (PolyPhen-2) suggests that this variant is likely to be disruptive. In summary, the available evidence is currently insufficient to determine the role of this variant in disease. Therefore, it has been classified as a Variant of Uncertain Significance.

PreventionGenetics, part of Exact Sciences
Classification: Uncertain significance for DLL1-related condition. Last evaluated: 2022-10-05. Review status: criteria provided, single submitter. Criteria: ACMG Guidelines, 2015. Collection method: clinical testing. Allele origin: germline.
Comment: The DLL1 c.2125G>T variant is predicted to result in the amino acid substitution p.Val709Phe. To our knowledge, this variant has not been reported in the literature or in a large population database, indicating this variant is rare. At this time, the clinical significance of this variant is uncertain due to the absence of conclusive functional and genetic evidence.